The following is an entry in ClinVar:

ClinVar aggregate classification (germline): Pathogenic (1 of 4 stars; one submission).

Conditions:
Osteogenesis imperfecta type I (OI1). Also called: OI, TYPE I; OSTEOGENESIS IMPERFECTA TARDA; OSTEOGENESIS IMPERFECTA WITH BLUE SCLERAE; Osteogenesis imperfecta type 1; Lobstein's Disease; Lobstein disease. Identifiers: Orphanet 216796, Orphanet 666, MedGen C0023931, MONDO:0008146, OMIM 166200. Disease mechanism: loss of function.

Submission:

Labcorp Genetics (formerly Invitae), Labcorp
Classification: Pathogenic for Osteogenesis imperfecta type I. Last evaluated: 2023-03-01. Review status: criteria provided, single submitter. Criteria: Invitae Variant Classification Sherloc (09022015). Collection method: clinical testing. Allele origin: germline.
Comment: For these reasons, this variant has been classified as Pathogenic. This sequence change replaces methionine, which is neutral and non-polar, with isoleucine, which is neutral and non-polar, at codon 181 of the COL1A1 protein (p.Met181Ile). RNA analysis indicates that this missense change induces altered splicing and likely results in a shortened protein product. This variant is not present in population databases (gnomAD no frequency). This missense change has been observed in individuals with osteogenesis imperfecta (PMID: 2767050; Invitae). Experimental studies and prediction algorithms are not available or were not evaluated, and the functional significance of this variant is currently unknown. Studies have shown that this missense change alters COL1A1 gene expression (PMID: 2767050). Variants that disrupt the consensus splice site are a relatively common cause of aberrant splicing (PMID: 17576681, 9536098). Studies have shown that this missense change results in skipping of exon 6, but is expected to preserve the integrity of the reading-frame (PMID: 1867198).

Literature cited by the submitters: PubMed 2767050; PubMed 17576681; PubMed 9536098; PubMed 1867198.

NM_000088.4(COL1A1):c.543G>T (p.Met181Ile)

Gene: COL1A1 (collagen type I alpha 1 chain; minus strand). Cytogenetic location: 17q21.33.
Variant type: single nucleotide variant.
Coding change: c.543G>T on transcript NM_000088.4 (MANE Select); coding-DNA position 543, G replaced by T.
Protein change: p.Met181Ile; replaces methionine 181 with isoleucine.
Molecular consequence: missense variant.
Genome position (GRCh38, 1-based): chr17:50,198,433, C>A on the plus strand (G>T on the coding strand, the complement: COL1A1 is on the minus strand). VCF-style: chr17-50198433-C-A. GRCh37 (hg19) VCF-style: chr17-48275794-C-A.
Other names: short protein forms M181I.
Identifiers: ClinVar variation 2834310 (VCV002834310.3), dbSNP rs72667022, ClinGen allele CA400225935.
Genomic context (GRCh38, chr17:50,198,433, plus strand): 5'-CCCACCTCCTCTGGATACCCATTCTCTCTTCTGTCATCCATGCTCCCCCTGCTGGCTCAC[C>A]ATGGGGCCAGGCACGGAAATTCCTCCGGTTGATTTCTCATCATAGCCATAAGACAGCTGG-3'
Protein context (NP_000079.2, residues 171-191): STGGISVPGP[Met181Ile]GPSGPRGLPG